The following is an entry in ClinVar:

NM_007078.3(LDB3):c.55G>C (p.Gly19Arg)

Gene: LDB3 (LIM domain binding 3; plus strand). Cytogenetic location: 10q23.2.
Variant type: single nucleotide variant.
Coding change: c.55G>C on transcript NM_007078.3 (MANE Select); coding-DNA position 55, G replaced by C.
Protein change: p.Gly19Arg; replaces glycine 19 with arginine.
Molecular consequence: missense variant.
Genome position (GRCh38, 1-based): chr10:86,668,746, G>C. VCF-style: chr10-86668746-G-C. GRCh37 (hg19) VCF-style: chr10-88428503-G-C.
Other names: c.55G>C, p.Gly19Arg (NM_001368065.1, NM_001368066.1, NM_001368067.1 and 8 more transcripts); c.55G>C (NM_007078.2); short protein forms G19R.
Identifiers: ClinVar variation 967392 (VCV000967392.14), dbSNP rs777413488, ClinGen allele CA5584569.
Genomic context (GRCh38, chr10:86,668,746, plus strand): 5'-ACCAGCATGTCTTACAGTGTGACCCTGACTGGGCCCGGGCCCTGGGGCTTCCGTCTGCAG[G>C]GGGGCAAGGACTTCAACATGCCCCTCACTATCTCCCGGGTGAGTGCACCCTGCCACAGCC-3'
Protein context (NP_009009.1, residues 9-29): GPGPWGFRLQ[Gly19Arg]GKDFNMPLTI

ClinVar aggregate classification (germline): Uncertain significance. Review status: criteria provided, multiple submitters, no conflicts (2 of 4 stars). 3 submissions from 3 submitters: Uncertain significance (3). Last evaluated 2026-01-18.

Conditions:
Cardiovascular phenotype. Identifiers: MedGen CN230736.
Dilated cardiomyopathy 1C (CMD1C). Also called: CARDIOMYOPATHY, DILATED, 1C, WITH OR WITHOUT LEFT VENTRICULAR NONCOMPACTION; Cardiomyopathy, dilated, 1C, with or without LVNC. Identifiers: Orphanet 154, Orphanet 54260, MedGen C1832244, MONDO:0011094, OMIM 601493.
Myofibrillar myopathy 4. Also called: Zaspopathy (type). Identifiers: Orphanet 98912, MedGen C4721886, MONDO:0012277, OMIM 609452.

Allele frequency attached by ClinVar (database versions not stated): gnomAD exomes below 0.00001; ExAC 0.00001.
gnomAD v4.1: 2 of 1,613,288 alleles (0.00012%); highest among the groups gnomAD compares: Non-Finnish European, 0.00017%; no homozygotes.

Submissions (3):

Labcorp Genetics (formerly Invitae), Labcorp
Classification: Uncertain significance for Myofibrillar myopathy 4. Last evaluated: 2026-01-18. Review status: criteria provided, single submitter. Criteria: Invitae Variant Classification Sherloc (09022015). Collection method: clinical testing. Allele origin: germline.
Comment: This sequence change replaces glycine, which is neutral and non-polar, with arginine, which is basic and polar, at codon 19 of the LDB3 protein (p.Gly19Arg). This variant is not present in population databases (gnomAD no frequency). This variant has not been reported in the literature in individuals affected with LDB3-related conditions. ClinVar contains an entry for this variant (Variation ID: 967392). An algorithm developed to predict the effect of missense changes on protein structure and function (PolyPhen-2) suggests that this variant is likely to be disruptive. In summary, the available evidence is currently insufficient to determine the role of this variant in disease. Therefore, it has been classified as a Variant of Uncertain Significance.

Ambry Genetics
Classification: Uncertain significance for Cardiovascular phenotype. Last evaluated: 2024-04-27. Review status: criteria provided, single submitter. Criteria: Ambry Variant Classification Scheme 2023. Collection method: clinical testing. Allele origin: germline.
Comment: The p.G19R variant (also known as c.55G>C), located in coding exon 1 of the LDB3 gene, results from a G to C substitution at nucleotide position 55. The glycine at codon 19 is replaced by arginine, an amino acid with dissimilar properties. This amino acid position is highly conserved in available vertebrate species. In addition, this alteration is predicted to be deleterious by in silico analysis. Since supporting evidence is limited at this time, the clinical significance of this alteration remains unclear.

Fulgent Genetics
Classification: Uncertain significance for Dilated cardiomyopathy 1C; Myofibrillar myopathy 4. Last evaluated: 2021-10-14. Review status: criteria provided, single submitter. Criteria: ACMG Guidelines, 2015. Collection method: clinical testing. Allele origin: unknown.